The following is an entry in ClinVar:

NM_203447.4(DOCK8):c.5332G>A (p.Ala1778Thr)

Gene: DOCK8 (dedicator of cytokinesis 8; plus strand). Cytogenetic location: 9p24.3.
Variant type: single nucleotide variant.
Coding change: c.5332G>A on transcript NM_203447.4 (MANE Select); coding-DNA position 5332, G replaced by A.
Protein change: p.Ala1778Thr; replaces alanine 1778 with threonine.
Molecular consequence: missense variant.
Genome position (GRCh38, 1-based): chr9:441,394, G>A. VCF-style: chr9-441394-G-A. GRCh37 (hg19) VCF-style: chr9-441394-G-A.
Other names: c.5032G>A, p.Ala1678Thr (NM_001190458.2); c.5128G>A, p.Ala1710Thr (NM_001193536.2); short protein forms A1678T, A1710T, A1778T.
Identifiers: ClinVar variation 3617494 (VCV003617494.2).

ClinVar aggregate classification (germline): Uncertain significance (1 of 4 stars; one submission).

Conditions:
Combined immunodeficiency due to DOCK8 deficiency (HIES2). Also called: HIES autosomal recessive; Hyper-IgE recurrent infection syndrome, autosomal recessive; HYPER-IgE RECURRENT INFECTION SYNDROME 2, AUTOSOMAL RECESSIVE; HYPER-IgE SYNDROME 2, AUTOSOMAL RECESSIVE, WITH RECURRENT INFECTIONS; DOCK8 Deficiency. Identifiers: Orphanet 217390, MedGen C4722305, MONDO:0009478, OMIM 243700.

gnomAD v4.1: 2 of 1,614,216 alleles (0.00012%); highest among the groups gnomAD compares: South Asian, 0.0011%; no homozygotes.

Submission:

Labcorp Genetics (formerly Invitae), Labcorp
Classification: Uncertain significance for Combined immunodeficiency due to DOCK8 deficiency. Last evaluated: 2024-11-11. Review status: criteria provided, single submitter. Criteria: Invitae Variant Classification Sherloc (09022015). Collection method: clinical testing. Allele origin: germline.
Comment: This sequence change replaces alanine, which is neutral and non-polar, with threonine, which is neutral and polar, at codon 1778 of the DOCK8 protein (p.Ala1778Thr). This variant is not present in population databases (gnomAD no frequency). This variant has not been reported in the literature in individuals affected with DOCK8-related conditions. Invitae Evidence Modeling of protein sequence and biophysical properties (such as structural, functional, and spatial information, amino acid conservation, physicochemical variation, residue mobility, and thermodynamic stability) indicates that this missense variant is not expected to disrupt DOCK8 protein function with a negative predictive value of 80%. In summary, the available evidence is currently insufficient to determine the role of this variant in disease. Therefore, it has been classified as a Variant of Uncertain Significance.